The following is an entry in ClinVar:

ClinVar aggregate classification (germline): Pathogenic/Likely pathogenic. Review status: criteria provided, multiple submitters, no conflicts (2 of 4 stars). 3 submissions from 3 submitters: Pathogenic (2); Likely pathogenic (1). Last evaluated 2025-12-01.

Conditions:
Inborn genetic diseases. Identifiers: MedGen C0950123, MeSH D030342.
Pseudo-Hurler polydystrophy. Also called: ML III; ML III ALPHA/BETA; Type III Mucolipidosis; ML IIIA; Mucolipidosis III Alpha/Beta; MUCOLIPIDOSIS IIIA. Identifiers: Orphanet 423461, Orphanet 577, MedGen C0033788, MONDO:0018931, OMIM 252600.
Mucolipidosis type II. Also called: ML II ALPHA/BETA; Mucolipidosis 2; ML 2; Inclusion cell disease; Leroy Disease; N-acetylglucosamine 1phosphotransferase deficiency. Identifiers: Orphanet 576, MedGen C2673377, MONDO:0009650, OMIM 252500.

Allele frequency attached by ClinVar (database versions not stated): gnomAD exomes below 0.00001; TOPMed 0.00002; gnomAD 0.00001.
gnomAD v4.1: 3 of 1,610,788 alleles (0.00019%); highest among the groups gnomAD compares: African/African-American, 0.0013%; no homozygotes.

Submissions (3):

Natera, Inc.
Classification: Likely pathogenic for Mucolipidosis type II. Last evaluated: 2025-12-01. Review status: criteria provided, single submitter. Criteria: Natera Variant Classification Schema (03/2026). Collection method: clinical testing. Allele origin: germline.
Comment: The c.613C>T variant in GNPTAB is a nonsense variant predicted to introduce a stop codon at amino acid 205. This variant is expected to result in nonsense mediated decay, truncation, or a dysfunctional protein product. This variant is rare in the general population with a frequency below the threshold expected for the associated phenotype(s). Given the available evidence, this variant is classified as Likely Pathogenic.

Labcorp Genetics (formerly Invitae), Labcorp
Classification: Pathogenic for Pseudo-Hurler polydystrophy; Mucolipidosis type II. Last evaluated: 2025-11-04. Review status: criteria provided, single submitter. Criteria: Invitae Variant Classification Sherloc (09022015). Collection method: clinical testing. Allele origin: germline.
Comment: This sequence change creates a premature translational stop signal (p.Gln205*) in the GNPTAB gene. It is expected to result in an absent or disrupted protein product. Loss-of-function variants in GNPTAB are known to be pathogenic (PMID: 19617216, 25107912). This variant is not present in population databases (gnomAD no frequency). This premature translational stop signal has been observed in individual(s) with GNPTAB-related conditions (PMID: 30882951). ClinVar contains an entry for this variant (Variation ID: 1459263). For these reasons, this variant has been classified as Pathogenic.

Ambry Genetics
Classification: Pathogenic for Inborn genetic diseases. Last evaluated: 2022-02-28. Review status: criteria provided, single submitter. Criteria: Ambry Variant Classification Scheme 2023. Collection method: clinical testing. Allele origin: germline.
Comment: The c.613C>T (p.Q205*) alteration, located in exon 6 (coding exon 6) of the GNPTAB gene, consists of a C to T substitution at nucleotide position 613. This changes the amino acid from a glutamine (Q) to a stop codon at amino acid position 205. This alteration is expected to result in loss of function by premature protein truncation or nonsense-mediated mRNA decay. This variant was not reported in population-based cohorts in the Genome Aggregation Database (gnomAD). This alteration was reported in a patient with mucolipidosis type II (Velho, 2019). Based on the available evidence, this alteration is classified as pathogenic.

Literature cited by the submitters: PubMed 19617216 (cited by Labcorp Genetics (formerly Invitae), Labcorp); PubMed 25107912 (cited by Labcorp Genetics (formerly Invitae), Labcorp); PubMed 30882951 (cited by Labcorp Genetics (formerly Invitae), Labcorp and Ambry Genetics).

NM_024312.5(GNPTAB):c.613C>T (p.Gln205Ter)

Gene: GNPTAB (N-acetylglucosamine-1-phosphate transferase subunits alpha and beta; minus strand). Cytogenetic location: 12q23.2.
Variant type: single nucleotide variant.
Coding change: c.613C>T on transcript NM_024312.5 (MANE Select); coding-DNA position 613, C replaced by T.
Protein change: p.Gln205Ter; replaces glutamine 205 with a stop codon.
Molecular consequence: nonsense.
Genome position (GRCh38, 1-based): chr12:101,780,580, G>A on the plus strand (C>T on the coding strand, the complement: GNPTAB is on the minus strand). VCF-style: chr12-101780580-G-A. GRCh37 (hg19) VCF-style: chr12-102174358-G-A.
Other names: c.613C>T (NM_024312.4); short protein forms Q205*.
Identifiers: ClinVar variation 1459263 (VCV001459263.8), dbSNP rs1953327287, ClinGen allele CA386304670.